The following is an entry in ClinVar:

ClinVar aggregate classification (germline): Likely benign. Review status: criteria provided, single submitter (1 of 4 stars). 2 submissions from 2 submitters: Likely benign (1). 1 of the submissions does not count toward it. Last evaluated 2024-02-06.

Conditions:
DLC1-related disorder. Also called: DLC1-related condition.

Allele frequency attached by ClinVar (database versions not stated): TOPMed 0.00003; gnomAD 0.00004; ExAC 0.00005.
gnomAD v4.1: 33 of 1,560,154 alleles (0.0021%); highest among the groups gnomAD compares: Middle Eastern, 0.017%; 1 homozygote.

Submissions (2):

Labcorp Genetics (formerly Invitae), Labcorp
Classification: Likely benign. Last evaluated: 2024-02-06. Review status: criteria provided, single submitter. Criteria: Invitae Variant Classification Sherloc (09022015). Collection method: clinical testing. Allele origin: germline.

PreventionGenetics, part of Exact Sciences
Classification: Likely benign for DLC1-related condition. Last evaluated: 2021-04-23. Review status: no assertion criteria provided. Collection method: clinical testing. Allele origin: germline. Not counted in ClinVar's aggregate classification.
Comment: This variant is classified as likely benign based on ACMG/AMP sequence variant interpretation guidelines (Richards et al. 2015 PMID: 25741868, with internal and published modifications).

NM_182643.3(DLC1):c.1572C>T (p.Asp524=)

Gene: DLC1 (DLC1 Rho GTPase activating protein; minus strand). Cytogenetic location: 8p22.
Variant type: single nucleotide variant.
Coding change: c.1572C>T on transcript NM_182643.3 (MANE Select); coding-DNA position 1572, C replaced by T.
Protein change: p.Asp524=; no amino-acid change (aspartic acid 524 retained).
Molecular consequence: synonymous variant.
Genome position (GRCh38, 1-based): chr8:13,100,765, G>A on the plus strand (C>T on the coding strand, the complement: DLC1 is on the minus strand). VCF-style: chr8-13100765-G-A. GRCh37 (hg19) VCF-style: chr8-12958274-G-A.
Other names: c.39C>T, p.Asp13= (NM_001164271.2, NM_001413128.1, NM_001413133.1 and 6 more transcripts); c.363C>T, p.Asp121= (NM_001316668.2, NM_001413129.1); c.396C>T, p.Asp132= (NM_001413140.1); c.261C>T, p.Asp87= (NM_006094.5, NM_001413135.1, NM_001413136.1 and 1 more transcripts); c.354C>T, p.Asp118= (NM_001413130.1); c.12C>T, p.Asp4= (NM_001413131.1, NM_001413137.1); c.498C>T, p.Asp166= (NM_001413132.1); c.1572C>T, p.Asp524= (NM_001348081.2, NM_001413124.1).
Identifiers: ClinVar variation 3029951 (VCV003029951.4), dbSNP rs566023348, ClinGen allele CA4638863.